The following is an entry in ClinVar:

NM_014946.4(SPAST):c.712C>A (p.Pro238Thr)

Gene: SPAST (spastin; plus strand). Cytogenetic location: 2p22.3.
Variant type: single nucleotide variant.
Coding change: c.712C>A on transcript NM_014946.4 (MANE Select); coding-DNA position 712, C replaced by A.
Protein change: p.Pro238Thr; replaces proline 238 with threonine.
Molecular consequence: missense variant.
Genome position (GRCh38, 1-based): chr2:32,114,667, C>A. VCF-style: chr2-32114667-C-A. GRCh37 (hg19) VCF-style: chr2-32339736-C-A.
Other names: p.Pro238Thr; c.709C>A, p.Pro237Thr (NM_001363823.2); c.613C>A, p.Pro205Thr (NM_001363875.2); c.616C>A, p.Pro206Thr (NM_001377959.1, NM_199436.2); short protein forms P205T, P206T, P238T, P237T.
Identifiers: ClinVar variation 844578 (VCV000844578.14), dbSNP rs140094231, ClinGen allele CA1600693.
Genomic context (GRCh38, chr2:32,114,667, plus strand): 5'-AATCACAATGGTTTTACTTTTTCCTTGTCAGAAAGTGGAGCTGTTCCAAAAAGAAAAGAC[C>A]CCTTAACACACACTAGTAATTCACTGCCTCGTTCAAAAACAGTTATGAAAACTGGATCTG-3'
Protein context (NP_055761.2, residues 228-248): ESGAVPKRKD[Pro238Thr]LTHTSNSLPR

ClinVar aggregate classification (germline): Conflicting classifications of pathogenicity. Review status: criteria provided, conflicting classifications (1 of 4 stars). 4 submissions from 4 submitters: Uncertain significance (2); Likely benign (2). Last evaluated 2025-08-26.

Conditions:
Hereditary spastic paraplegia 4. Also called: Spastic paraplegia 4, autosomal dominant; Spastic Paraplegia 4; Familial spastic paraplegia autosomal dominant 2. Identifiers: Orphanet 100985, MedGen C1866855, MONDO:0008438, OMIM 182601.

Allele frequency attached by ClinVar (database versions not stated): gnomAD exomes 0.00004; ExAC 0.00007; TOPMed 0.00007; ESP Exome Variant Server 0.00008; gnomAD 0.00008 and 0.00009.
gnomAD v4.1: 194 of 1,613,850 alleles (0.012%); highest among the groups gnomAD compares: Non-Finnish European, 0.016%; no homozygotes.

Submissions (4):

Mayo Clinic Laboratories, Mayo Clinic
Classification: Likely benign. Last evaluated: 2025-08-26. Review status: criteria provided, single submitter. Criteria: ACMG Guidelines, 2015. Collection method: clinical testing. Allele origin: germline. Observed: 2 variant alleles.
Comment: BS2, BP4

Labcorp Genetics (formerly Invitae), Labcorp
Classification: Uncertain significance for Hereditary spastic paraplegia 4. Last evaluated: 2024-09-02. Review status: criteria provided, single submitter. Criteria: Invitae Variant Classification Sherloc (09022015). Collection method: clinical testing. Allele origin: germline.
Comment: This sequence change replaces proline, which is neutral and non-polar, with threonine, which is neutral and polar, at codon 238 of the SPAST protein (p.Pro238Thr). This variant is present in population databases (rs140094231, gnomAD 0.009%). This missense change has been observed in individual(s) with spastic paraplegia (PMID: 16055926). ClinVar contains an entry for this variant (Variation ID: 844578). Invitae Evidence Modeling of protein sequence and biophysical properties (such as structural, functional, and spatial information, amino acid conservation, physicochemical variation, residue mobility, and thermodynamic stability) has been performed for this missense variant. However, the output from this modeling did not meet the statistical confidence thresholds required to predict the impact of this variant on SPAST protein function. In summary, the available evidence is currently insufficient to determine the role of this variant in disease. Therefore, it has been classified as a Variant of Uncertain Significance.

GeneDx
Classification: Likely benign. Last evaluated: 2020-12-10. Review status: criteria provided, single submitter. Criteria: GeneDx Variant Classification Process June 2021. Collection method: clinical testing. Allele origin: germline. Affected: yes.
Comment: This variant is associated with the following publications: (PMID: 17297713)

Illumina Laboratory Services, Illumina
Classification: Uncertain significance for Hereditary spastic paraplegia 4. Last evaluated: 2017-04-27. Review status: criteria provided, single submitter. Criteria: ICSL Variant Classification Criteria 13 December 2019. Collection method: clinical testing. Allele origin: germline.
Comment: This variant was observed as part of a predisposition screen in an ostensibly healthy population. A literature search was performed for the gene, cDNA change, and amino acid change (where applicable). Publications were found based on this search. However, the evidence from the literature, in combination with allele frequency data from public databases where available, was not sufficient to rule this variant in or out of causing disease. Therefore, this variant is classified as a variant of unknown significance.

Literature cited by the submitters: PubMed 16055926 (cited by Labcorp Genetics (formerly Invitae), Labcorp and Illumina Laboratory Services, Illumina).